The following is an entry in ClinVar:

NM_004408.4(DNM1):c.490G>A (p.Val164Ile)

Genes: DNM1 (dynamin 1; plus strand), LOC113839516 (Sharpr-MPRA regulatory region 8497; plus strand). Cytogenetic location: 9q34.11.
Variant type: single nucleotide variant.
Coding change: c.490G>A on transcript NM_004408.4 (MANE Select); coding-DNA position 490, G replaced by A.
Protein change: p.Val164Ile; replaces valine 164 with isoleucine.
Molecular consequence: missense variant.
Genome position (GRCh38, 1-based): chr9:128,219,153, G>A. VCF-style: chr9-128219153-G-A. GRCh37 (hg19) VCF-style: chr9-130981432-G-A.
Other names: c.490G>A, p.Val164Ile (NM_001005336.3, NM_001288737.2, NM_001288738.2 and 2 more transcripts); short protein forms V164I.
Identifiers: ClinVar variation 1744042 (VCV001744042.2), dbSNP rs1355381156, ClinGen allele CA375011179.

ClinVar aggregate classification (germline): Uncertain significance (1 of 4 stars; one submission).

Conditions:
Inborn genetic diseases. Identifiers: MedGen C0950123, MeSH D030342.

Allele frequency attached by ClinVar (database versions not stated): gnomAD 0.00001; TOPMed 0.00002.
gnomAD v4.1: 1 of 1,614,054 alleles (0.000062%); highest among the groups gnomAD compares: Non-Finnish European, 0.000085%; no homozygotes.

Submission:

Ambry Genetics
Classification: Uncertain significance for Inborn genetic diseases. Last evaluated: 2017-06-27. Review status: criteria provided, single submitter. Criteria: Ambry Variant Classification Scheme 2023. Collection method: clinical testing. Allele origin: germline.
Comment: The p.V164I variant (also known as c.490G>A), located in coding exon 4 of the DNM1 gene, results from a G to A substitution at nucleotide position 490. The valine at codon 164 is replaced by isoleucine, an amino acid with highly similar properties. This amino acid position is highly conserved in available vertebrate species; however, isoleucine is the reference amino acid in other vertebrate species. In addition, the in silico prediction for this alteration is inconclusive. Since supporting evidence is limited at this time, the clinical significance of this alteration remains unclear.